The following is an entry in ClinVar:

NM_001005373.4(LRSAM1):c.1348-1G>A

Gene: LRSAM1 (leucine rich repeat and sterile alpha motif containing 1; plus strand). Cytogenetic location: 9q33.3.
Variant type: single nucleotide variant.
Coding change: c.1348-1G>A on transcript NM_001005373.4 (MANE Select); the canonical splice acceptor site of the intron before coding-DNA position 1348, G replaced by A.
Molecular consequence: splice acceptor variant.
Genome position (GRCh38, 1-based): chr9:127,489,443, G>A. VCF-style: chr9-127489443-G-A. GRCh37 (hg19) VCF-style: chr9-130251722-G-A.
Other names: c.1348-1G>A (NM_138361.5, NM_001384142.1, NM_001384143.1 and 2 more transcripts); c.559-1G>A (NM_001384144.1).
Identifiers: ClinVar variation 472790 (VCV000472790.6), dbSNP rs747659617, ClinGen allele CA5246953.

ClinVar aggregate classification (germline): Likely pathogenic (1 of 4 stars; one submission).

Conditions:
Charcot-Marie-Tooth disease axonal type 2P. Also called: CHARCOT-MARIE-TOOTH NEUROPATHY, TYPE 2P; Charcot-Marie-Tooth Neuropathy Type 2G; CHARCOT-MARIE-TOOTH DISEASE, AXONAL, TYPE 2G; CMT 2G. Identifiers: Orphanet 300319, Orphanet 99941, MedGen C3280797, MONDO:0013753, OMIM 614436.

Allele frequency attached by ClinVar (database versions not stated): TOPMed 0.00006; gnomAD exomes 0.00009; ExAC 0.00010.
gnomAD v4.1: 21 of 1,606,038 alleles (0.0013%); highest among the groups gnomAD compares: Admixed American, 0.036%; no homozygotes.

Submission:

Labcorp Genetics (formerly Invitae), Labcorp
Classification: Likely pathogenic for Charcot-Marie-Tooth disease axonal type 2P. Last evaluated: 2024-12-04. Review status: criteria provided, single submitter. Criteria: Invitae Variant Classification Sherloc (09022015). Collection method: clinical testing. Allele origin: germline.
Comment: This sequence change affects an acceptor splice site in intron 17 of the LRSAM1 gene. It is expected to disrupt RNA splicing. Variants that disrupt the donor or acceptor splice site typically lead to a loss of protein function (PMID: 16199547), and loss-of-function variants in LRSAM1 are known to be pathogenic (PMID: 20865121, 33414056). This variant is present in population databases (rs747659617, gnomAD 0.07%). This variant has not been reported in the literature in individuals affected with LRSAM1-related conditions. ClinVar contains an entry for this variant (Variation ID: 472790). Algorithms developed to predict the effect of sequence changes on RNA splicing suggest that this variant may disrupt the consensus splice site. In summary, the currently available evidence indicates that the variant is pathogenic, but additional data are needed to prove that conclusively. Therefore, this variant has been classified as Likely Pathogenic.

Literature cited by the submitters: PubMed 16199547; PubMed 20865121; PubMed 33414056.